The following is an entry in ClinVar:

ClinVar aggregate classification (germline): Uncertain significance (1 of 4 stars; one submission).

gnomAD v4.1: 3 of 1,613,892 alleles (0.00019%); highest among the groups gnomAD compares: South Asian, 0.0011%; no homozygotes.

Submission:

Labcorp Genetics (formerly Invitae), Labcorp
Classification: Uncertain significance. Last evaluated: 2022-01-02. Review status: criteria provided, single submitter. Criteria: Invitae Variant Classification Sherloc (09022015). Collection method: clinical testing. Allele origin: germline.
Comment: In summary, the available evidence is currently insufficient to determine the role of this variant in disease. Therefore, it has been classified as a Variant of Uncertain Significance. Algorithms developed to predict the effect of missense changes on protein structure and function (SIFT, PolyPhen-2, Align-GVGD) all suggest that this variant is likely to be disruptive. This variant has not been reported in the literature in individuals affected with LRIT3-related conditions. This variant is not present in population databases (gnomAD no frequency). This sequence change replaces tryptophan, which is neutral and slightly polar, with serine, which is neutral and polar, at codon 203 of the LRIT3 protein (p.Trp203Ser).

NM_198506.5(LRIT3):c.608G>C (p.Trp203Ser)

Gene: LRIT3 (leucine rich repeat, Ig-like and transmembrane domains 3; plus strand). Cytogenetic location: 4q25.
Variant type: single nucleotide variant.
Coding change: c.608G>C on transcript NM_198506.5 (MANE Select); coding-DNA position 608, G replaced by C.
Protein change: p.Trp203Ser; replaces tryptophan 203 with serine.
Molecular consequence: missense variant.
Genome position (GRCh38, 1-based): chr4:109,867,659, G>C. VCF-style: chr4-109867659-G-C. GRCh37 (hg19) VCF-style: chr4-110788815-G-C.
Other names: short protein forms W203S.
Identifiers: ClinVar variation 2071043 (VCV002071043.4), dbSNP rs1734715976, ClinGen allele CA357866206.